The following is an entry in ClinVar:

ClinVar aggregate classification (germline): Pathogenic (1 of 4 stars; one submission).

Conditions:
Hereditary cancer-predisposing syndrome. Also called: Neoplastic Syndromes, Hereditary; Tumor predisposition; Hereditary Cancer Syndrome; Hereditary neoplastic syndrome. Identifiers: Orphanet 140162, MedGen C0027672, MeSH D009386, MONDO:0015356.

Submission:

Ambry Genetics
Classification: Pathogenic for Hereditary cancer-predisposing syndrome. Last evaluated: 2020-05-04. Review status: criteria provided, single submitter. Criteria: Ambry Variant Classification Scheme 2023. Collection method: clinical testing. Allele origin: germline.
Comment: The c.2032delC pathogenic mutation, located in coding exon 13 of the RAD50 gene, results from a deletion of one nucleotide at nucleotide position 2032, causing a translational frameshift with a predicted alternate stop codon (p.Q678Sfs*42). This alteration is expected to result in loss of function by premature protein truncation or nonsense-mediated mRNA decay. As such, this alteration is interpreted as a disease-causing mutation.

NM_005732.4(RAD50):c.2032del (p.Gln678fs)

Gene: RAD50 (RAD50 double strand break repair protein; plus strand). Cytogenetic location: 5q31.1.
Variant type: Deletion.
Coding change: c.2032del on transcript NM_005732.4 (MANE Select); coding-DNA position 2032, one base deleted (C; older notation c.2032delC).
Protein change: p.Gln678fs; shifts the reading frame from glutamine 678.
Molecular consequence: frameshift variant.
Genome position (GRCh38, 1-based): chr5:132,595,635, C deleted; the last of 2 consecutive C bases (chr5:132,595,634-132,595,635); deleting either gives the same sequence. VCF-style (leftmost placement, unchanged base first): chr5-132595633-AC-A. GRCh37 (hg19) VCF-style: chr5-131931325-AC-A.
Other names: short protein forms Q678fs.
Identifiers: ClinVar variation 1784777 (VCV001784777.2), dbSNP rs2479651854, ClinGen allele CA2580072674.